The following is an entry in ClinVar:

NM_000542.5(SFTPB):c.*857C>T

Gene: SFTPB (surfactant protein B; minus strand). Cytogenetic location: 2p11.2.
Variant type: single nucleotide variant.
Coding change: c.*857C>T on transcript NM_000542.5 (MANE Select); 857 bases downstream of the stop codon, C replaced by T.
Molecular consequence: 3 prime UTR variant. On other transcripts: missense variant (1).
Genome position (GRCh38, 1-based): chr2:85,658,845, G>A on the plus strand (C>T on the coding strand, the complement: SFTPB is on the minus strand). VCF-style: chr2-85658845-G-A. GRCh37 (hg19) VCF-style: chr2-85885968-G-A.
Other names: c.1013C>T, p.Pro338Leu (NM_001367281.2); c.*30C>T (NM_198843.4); short protein forms P338L.
Identifiers: ClinVar variation 337298 (VCV000337298.5), dbSNP rs3024828, ClinGen allele CA10614543.
Genomic context (GRCh38, chr2:85,658,845, plus strand): 5'-GGTGCTGGGATTGCAGGTGTGAGCCACCACGTCTGGCCATACTGCAGCACTTTAAAGGAC[G>A]GTGTCTTTTTCTTTCTCATAAAAGAGAATAGGACTTTATTAGCATTGGTGCAGACATTGT-3'

ClinVar aggregate classification (germline): Benign (1 of 4 stars; one submission).

Conditions:
Surfactant metabolism dysfunction, pulmonary, 1. Also called: INTERSTITIAL LUNG DISEASE DUE TO SURFACTANT PROTEIN B DEFICIENCY; INTERSTITIAL LUNG DISEASE, NONSPECIFIC, DUE TO SURFACTANT PROTEIN B DEFICIENCY; PULMONARY ALVEOLAR PROTEINOSIS, CONGENITAL, 1; Pulmonary surfactant protein B, deficiency of; Neonatal acute respiratory distress due to SP-B deficiency. Identifiers: Orphanet 217563, MedGen C1968602, MONDO:0009929, OMIM 265120.

Allele frequency attached by ClinVar (database versions not stated): gnomAD 0.07101 and 0.07628; TOPMed 0.08059; 1000 Genomes Project 0.08127; 1000 Genomes Project 30x 0.08620.

Submission:

Illumina Laboratory Services, Illumina
Classification: Benign for Surfactant metabolism dysfunction, pulmonary, 1. Last evaluated: 2018-01-12. Review status: criteria provided, single submitter. Criteria: ICSL Variant Classification Criteria 13 December 2019. Collection method: clinical testing. Allele origin: germline.
Comment: This variant was observed in the ICSL laboratory as part of a predisposition screen in an ostensibly healthy population. It had not been previously curated by ICSL or reported in the Human Gene Mutation Database (HGMD: prior to June 1st, 2018), and was therefore a candidate for classification through an automated scoring system. Utilizing variant allele frequency, disease prevalence and penetrance estimates, and inheritance mode, an automated score was calculated to assess if this variant is too frequent to cause the disease. Based on the score and internal cut-off values, a variant classified as benign is not then subjected to further curation. The score for this variant resulted in a classification of benign for this disease.